The following is an entry in ClinVar:

NM_000352.6(ABCC8):c.2291+4C>G

Gene: ABCC8 (ATP binding cassette subfamily C member 8; minus strand). Cytogenetic location: 11p15.1.
Variant type: single nucleotide variant.
Coding change: c.2291+4C>G on transcript NM_000352.6 (MANE Select); 4 bases into the intron after coding-DNA position 2291, C replaced by G.
Molecular consequence: intron variant.
Genome position (GRCh38, 1-based): chr11:17,415,300, G>C on the plus strand (C>G on the coding strand, the complement: ABCC8 is on the minus strand). VCF-style: chr11-17415300-G-C. GRCh37 (hg19) VCF-style: chr11-17436847-G-C.
Other names: c.2288+4C>G (NM_001351297.2); c.2291+4C>G (NM_001351296.2); c.2357+4C>G (NM_001351295.2); c.2294+4C>G (NM_001287174.3).
Identifiers: ClinVar variation 3654322 (VCV003654322.2).

ClinVar aggregate classification (germline): Uncertain significance (1 of 4 stars; one submission).

Submission:

Labcorp Genetics (formerly Invitae), Labcorp
Classification: Uncertain significance. Last evaluated: 2024-05-23. Review status: criteria provided, single submitter. Criteria: Invitae Variant Classification Sherloc (09022015). Collection method: clinical testing. Allele origin: germline.
Comment: This sequence change falls in intron 18 of the ABCC8 gene. It does not directly change the encoded amino acid sequence of the ABCC8 protein. It affects a nucleotide within the consensus splice site. This variant is not present in population databases (gnomAD no frequency). This variant has not been reported in the literature in individuals affected with ABCC8-related conditions. Variants that disrupt the consensus splice site are a relatively common cause of aberrant splicing (PMID: 17576681, 9536098). Algorithms developed to predict the effect of sequence changes on RNA splicing suggest that this variant may disrupt the consensus splice site. In summary, the available evidence is currently insufficient to determine the role of this variant in disease. Therefore, it has been classified as a Variant of Uncertain Significance.

Literature cited by the submitters: PubMed 17576681; PubMed 9536098.